The following is an entry in ClinVar:

ClinVar aggregate classification (germline): Uncertain significance (1 of 4 stars; one submission).

Conditions:
Episodic ataxia type 2 (EA2). Also called: ACETAZOLAMIDE-RESPONSIVE HEREDITARY PAROXYSMAL CEREBELLAR ATAXIA; ATAXIA, EPISODIC, WITH NYSTAGMUS; ATAXIA, FAMILIAL PAROXYSMAL; CEREBELLAR ATAXIA, PAROXYSMAL, ACETAZOLAMIDE-RESPONSIVE; CEREBELLOPATHY, HEREDITARY PAROXYSMAL; EPISODIC ATAXIA, NYSTAGMUS-ASSOCIATED. Identifiers: Orphanet 97, MedGen C1720416, MONDO:0007163, OMIM 108500.
Developmental and epileptic encephalopathy, 42 (DEE42A). Also called: DEVELOPMENTAL AND EPILEPTIC ENCEPHALOPATHY 42A; EPILEPTIC ENCEPHALOPATHY, EARLY INFANTILE, 42A; Epileptic encephalopathy, early infantile, 42. Identifiers: MedGen C4310716, MONDO:0014917, OMIM 617106.

Allele frequency attached by ClinVar (database versions not stated): gnomAD exomes below 0.00001.
gnomAD v4.1: 1 of 1,281,404 alleles (0.000078%); highest among the groups gnomAD compares: Non-Finnish European, 0.000098%; no homozygotes.

Submission:

Labcorp Genetics (formerly Invitae), Labcorp
Classification: Uncertain significance for Developmental and epileptic encephalopathy, 42; Episodic ataxia type 2. Last evaluated: 2023-03-23. Review status: criteria provided, single submitter. Criteria: Invitae Variant Classification Sherloc (09022015). Collection method: clinical testing. Allele origin: germline.
Comment: Variants that disrupt the consensus splice site are a relatively common cause of aberrant splicing (PMID: 17576681, 9536098). Algorithms developed to predict the effect of sequence changes on RNA splicing suggest that this variant may disrupt the consensus splice site. This sequence change affects an acceptor splice site in intron 46 of the CACNA1A gene. While this variant is not anticipated to result in nonsense mediated decay, it likely alters RNA splicing and results in a disrupted protein product. This variant is not present in population databases (gnomAD no frequency). This variant has not been reported in the literature in individuals affected with CACNA1A-related conditions. ClinVar contains an entry for this variant (Variation ID: 846653). In summary, the available evidence is currently insufficient to determine the role of this variant in disease. Therefore, it has been classified as a Variant of Uncertain Significance.

Literature cited by the submitters: PubMed 17576681; PubMed 9536098.

NM_001127222.2(CACNA1A):c.6785G>A (p.Ser2262Asn)

Gene: CACNA1A (calcium voltage-gated channel subunit alpha1 A; minus strand). Cytogenetic location: 19p13.13.
Variant type: single nucleotide variant.
Coding change: c.6785G>A on transcript NM_001127222.2 (MANE Select); coding-DNA position 6785, G replaced by A.
Protein change: p.Ser2262Asn; replaces serine 2262 with asparagine.
Molecular consequence: missense variant. On other transcripts: splice acceptor variant (3).
Genome position (GRCh38, 1-based): chr19:13,208,049, C>T on the plus strand (G>A on the coding strand, the complement: CACNA1A is on the minus strand). VCF-style: chr19-13208049-C-T. GRCh37 (hg19) VCF-style: chr19-13318863-C-T.
Other names: c.6803G>A, p.Ser2268Asn (NM_023035.3); c.6784-1G>A (NM_001127221.2); c.6790-1G>A (NM_001174080.2); c.6799-1G>A (NM_000068.4); short protein forms S2262N, S2268N.
Identifiers: ClinVar variation 846653 (VCV000846653.8), dbSNP rs2054633316, ClinGen allele CA404329194.